The following is an entry in ClinVar:

NM_000214.3(JAG1):c.3604A>G (p.Asn1202Asp)

Gene: JAG1 (jagged canonical Notch ligand 1; minus strand). Cytogenetic location: 20p12.2.
Variant type: single nucleotide variant.
Coding change: c.3604A>G on transcript NM_000214.3 (MANE Select); coding-DNA position 3604, A replaced by G.
Protein change: p.Asn1202Asp; replaces asparagine 1202 with aspartic acid.
Molecular consequence: missense variant.
Genome position (GRCh38, 1-based): chr20:10,639,551, T>C on the plus strand (A>G on the coding strand, the complement: JAG1 is on the minus strand). VCF-style: chr20-10639551-T-C. GRCh37 (hg19) VCF-style: chr20-10620199-T-C.
Other names: short protein forms N1202D.
Identifiers: ClinVar variation 2772645 (VCV002772645.3), dbSNP rs2514506121, ClinGen allele CA408242346.

ClinVar aggregate classification (germline): Uncertain significance (1 of 4 stars; one submission).

Conditions:
Alagille syndrome due to a JAG1 point mutation. Also called: Alagille Syndrome 1; JAG1-Related Alagille Syndrome; HEPATIC DUCTULAR HYPOPLASIA, SYNDROMATIC. Identifiers: Orphanet 261619, Orphanet 52, MedGen C1956125, MONDO:0016862, OMIM 118450.

Submission:

Labcorp Genetics (formerly Invitae), Labcorp
Classification: Uncertain significance for Alagille syndrome due to a JAG1 point mutation. Last evaluated: 2023-12-07. Review status: criteria provided, single submitter. Criteria: Invitae Variant Classification Sherloc (09022015). Collection method: clinical testing. Allele origin: germline.
Comment: This sequence change replaces asparagine, which is neutral and polar, with aspartic acid, which is acidic and polar, at codon 1202 of the JAG1 protein (p.Asn1202Asp). This variant is not present in population databases (gnomAD no frequency). This variant has not been reported in the literature in individuals affected with JAG1-related conditions. Advanced modeling of protein sequence and biophysical properties (such as structural, functional, and spatial information, amino acid conservation, physicochemical variation, residue mobility, and thermodynamic stability) performed at Invitae indicates that this missense variant is not expected to disrupt JAG1 protein function with a negative predictive value of 95%. In summary, the available evidence is currently insufficient to determine the role of this variant in disease. Therefore, it has been classified as a Variant of Uncertain Significance.